The following is an entry in ClinVar:

ClinVar aggregate classification (germline): Likely pathogenic (1 of 4 stars; one submission).

Allele frequency attached by ClinVar (database versions not stated): TOPMed 0.00001.
gnomAD v4.1: 24 of 1,613,586 alleles (0.0015%); highest among the groups gnomAD compares: Non-Finnish European, 0.002%; no homozygotes.

Submission:

GeneDx
Classification: Likely pathogenic. Last evaluated: 2016-12-16. Review status: criteria provided, single submitter. Criteria: GeneDx Variant Classification (06012015). Collection method: clinical testing. Allele origin: germline. Affected: yes.
Comment: The L527X variant has not been published as a pathogenic variant, nor has it been reported as a benign variant to our knowledge. The L527X variant was not observed in approximately 6500 individuals of European and African American ancestry in the NHLBI Exome Sequencing Project, indicating it is not a common benign variant in these populations. The L527X variant is predicted to cause loss of normal protein function either through protein truncation. In summary, we interpret this variant to be likely pathogenic.

NM_032382.5(COG8):c.1580T>G (p.Leu527Ter)

Gene: COG8 (component of oligomeric golgi complex 8; minus strand). Cytogenetic location: 16q22.1.
Variant type: single nucleotide variant.
Coding change: c.1580T>G on transcript NM_032382.5 (MANE Select); coding-DNA position 1580, T replaced by G.
Protein change: p.Leu527Ter; replaces leucine 527 with a stop codon.
Molecular consequence: nonsense. On other transcripts: intron variant (1).
Genome position (GRCh38, 1-based): chr16:69,332,716, A>C on the plus strand (T>G on the coding strand, the complement: COG8 is on the minus strand). VCF-style: chr16-69332716-A-C. GRCh37 (hg19) VCF-style: chr16-69366619-A-C.
Other names: c.1580T>G, p.Leu527Ter (NM_001374871.1, NM_001379261.1, NM_001379262.1 and 3 more transcripts); c.1413+1805T>G (NM_001379266.1); short protein forms L527*.
Identifiers: ClinVar variation 391369 (VCV000391369.2), dbSNP rs890271209, ClinGen allele CA16607082.
Genomic context (GRCh38, chr16:69,332,716, plus strand): 5'-TATTTAGTATGTGAATTACACATCAGTAAGGCAGTTTACAGAATTTTCATTCTCTTACCT[A>C]AAGTCTGTGCTATCTGAGCTGGTGGAAAAAGGACTTGGAGACAGCGATTTAAATACGGAA-3'